The following is an entry in ClinVar:

NM_001127217.3(SMAD9):c.282_283del (p.Trp96fs)

Gene: SMAD9 (SMAD family member 9; minus strand). Cytogenetic location: 13q13.3.
Variant type: Microsatellite.
Coding change: c.282_283del on transcript NM_001127217.3 (MANE Select); coding-DNA positions 282 to 283, 2 bases deleted (CG; older notation c.282_283delCG).
Protein change: p.Trp96fs; shifts the reading frame from tryptophan 96.
Molecular consequence: frameshift variant.
Genome position (GRCh38, 1-based): chr13:36,879,407-36,879,408, CG deleted on the plus strand (CG on the coding strand, the reverse complement: SMAD9 is on the minus strand); deleting any 2 consecutive bases within chr13:36,879,407-36,879,410 gives the same sequence; the c. name uses the placement nearest the transcript's 3' end. VCF-style (leftmost placement, unchanged base first): chr13-36879406-ACG-A. GRCh37 (hg19) VCF-style: chr13-37453543-ACG-A.
Other names: c.282_283del, p.Trp96fs (NM_001378621.1, NM_005905.6); short protein forms W96fs.
Identifiers: ClinVar variation 4727900 (VCV004727900.1).

ClinVar aggregate classification (germline): Pathogenic (1 of 4 stars; one submission).

Conditions:
Pulmonary hypertension, primary, 2. Identifiers: Orphanet 422, MedGen C3888002, MONDO:0014134, OMIM 615342.

Submission:

Labcorp Genetics (formerly Invitae), Labcorp
Classification: Pathogenic for Pulmonary hypertension, primary, 2. Last evaluated: 2025-09-27. Review status: criteria provided, single submitter. Criteria: Invitae Variant Classification Sherloc (09022015). Collection method: clinical testing. Allele origin: germline.
Comment: This sequence change creates a premature translational stop signal (p.Trp96Alafs*18) in the SMAD9 gene. It is expected to result in an absent or disrupted protein product. Loss-of-function variants in SMAD9 are known to be pathogenic (PMID: 19419974, 31727138). This variant is not present in population databases (gnomAD no frequency). This variant has not been reported in the literature in individuals affected with SMAD9-related conditions. For these reasons, this variant has been classified as Pathogenic.

Literature cited by the submitters: PubMed 19419974; PubMed 31727138.